The following is an entry in ClinVar:

ClinVar aggregate classification (germline): Uncertain significance. Review status: criteria provided, single submitter (1 of 4 stars). 2 submissions from 2 submitters: Uncertain significance (1). 1 of the submissions does not count toward it. Last evaluated 2026-01-19.

Conditions:
LYN-related disorder. Also called: LYN-related condition.

Allele frequency attached by ClinVar (database versions not stated): ExAC 0.00003; gnomAD exomes 0.00003 and 0.00021; gnomAD 0.00007.
gnomAD v4.1: 302 of 1,612,726 alleles (0.019%); highest among the groups gnomAD compares: Non-Finnish European, 0.025%; no homozygotes.

Submissions (2):

Labcorp Genetics (formerly Invitae), Labcorp
Classification: Uncertain significance. Last evaluated: 2026-01-19. Review status: criteria provided, single submitter. Criteria: Invitae Variant Classification Sherloc (09022015). Collection method: clinical testing. Allele origin: germline.
Comment: This sequence change replaces aspartic acid, which is acidic and polar, with valine, which is neutral and non-polar, at codon 66 of the LYN protein (p.Asp66Val). This variant is present in population databases (rs763145713, gnomAD 0.009%). This variant has not been reported in the literature in individuals affected with LYN-related conditions. ClinVar contains an entry for this variant (Variation ID: 1500244). An algorithm developed to predict the effect of missense changes on protein structure and function (PolyPhen-2) suggests that this variant is likely to be tolerated. In summary, the available evidence is currently insufficient to determine the role of this variant in disease. Therefore, it has been classified as a Variant of Uncertain Significance.

PreventionGenetics, part of Exact Sciences
Classification: Uncertain significance for LYN-related condition. Last evaluated: 2024-08-28. Review status: no assertion criteria provided. Collection method: clinical testing. Allele origin: germline. Not counted in ClinVar's aggregate classification.
Comment: The LYN c.197A>T variant is predicted to result in the amino acid substitution p.Asp66Val. To our knowledge, this variant has not been reported in the literature. This variant is reported in 0.0093% of alleles in individuals of European (Non-Finnish) descent in gnomAD, which may be too common to be causative. Although we suspect that this variant may be benign, at this time, the clinical significance of this variant is uncertain due to the absence of conclusive functional and genetic evidence.

NM_002350.4(LYN):c.197A>T (p.Asp66Val)

Gene: LYN (LYN proto-oncogene, Src family tyrosine kinase; plus strand). Cytogenetic location: 8q12.1.
Variant type: single nucleotide variant.
Coding change: c.197A>T on transcript NM_002350.4 (MANE Select); coding-DNA position 197, A replaced by T.
Protein change: p.Asp66Val; replaces aspartic acid 66 with valine.
Molecular consequence: missense variant.
Genome position (GRCh38, 1-based): chr8:55,947,636, A>T. VCF-style: chr8-55947636-A-T. GRCh37 (hg19) VCF-style: chr8-56860195-A-T.
Other names: c.134A>T, p.Asp45Val (NM_001111097.3); c.197A>T (NM_002350.3); short protein forms D45V, D66V.
Identifiers: ClinVar variation 1500244 (VCV001500244.9), dbSNP rs763145713, ClinGen allele CA4753949.